The following is an entry in ClinVar:

NM_001004334.4(GPR179):c.6390_6391inv (p.Cys2131Gly)

Gene: GPR179 (G protein-coupled receptor 179; minus strand). Cytogenetic location: 17q12.
Variant type: Inversion.
Coding change: c.6390_6391inv on transcript NM_001004334.4 (MANE Select).
Protein change: p.Cys2131Gly; replaces cysteine 2131 with glycine.
Molecular consequence: missense variant.
Genome position: GRCh38 VCF-style: chr17-38327178-AG-CT. GRCh37 (hg19) VCF-style: chr17-36483061-AG-CT.
Other names: short protein forms C2131G.
Identifiers: ClinVar variation 2108635 (VCV002108635.4), ClinGen allele CA2580093620.

ClinVar aggregate classification (germline): Uncertain significance (1 of 4 stars; one submission).

Submission:

Labcorp Genetics (formerly Invitae), Labcorp
Classification: Uncertain significance. Last evaluated: 2022-03-10. Review status: criteria provided, single submitter. Criteria: Invitae Variant Classification Sherloc (09022015). Collection method: clinical testing. Allele origin: germline.
Comment: This sequence change replaces cysteine, which is neutral and slightly polar, with glycine, which is neutral and non-polar, at codon 2131 of the GPR179 protein (p.Cys2131Gly). In summary, the available evidence is currently insufficient to determine the role of this variant in disease. Therefore, it has been classified as a Variant of Uncertain Significance. Experimental studies and prediction algorithms are not available or were not evaluated, and the functional significance of this variant is currently unknown. This variant has not been reported in the literature in individuals affected with GPR179-related conditions. Information on the frequency of this variant in the gnomAD database is not available, as this variant may be reported differently in the database.